The following is an entry in ClinVar:

NM_005431.2(XRCC2):c.548T>C (p.Leu183Pro)

Gene: XRCC2 (X-ray repair cross complementing 2; minus strand). Cytogenetic location: 7q36.1.
Variant type: single nucleotide variant.
Coding change: c.548T>C on transcript NM_005431.2 (MANE Select); coding-DNA position 548, T replaced by C.
Protein change: p.Leu183Pro; replaces leucine 183 with proline.
Molecular consequence: missense variant.
Genome position (GRCh38, 1-based): chr7:152,648,937, A>G on the plus strand (T>C on the coding strand, the complement: XRCC2 is on the minus strand). VCF-style: chr7-152648937-A-G. GRCh37 (hg19) VCF-style: chr7-152346022-A-G.
Other names: short protein forms L183P.
Identifiers: ClinVar variation 1747850 (VCV001747850.3), dbSNP rs2485881037, ClinGen allele CA370198453.
Genomic context (GRCh38, chr7:152,648,937, plus strand): 5'-GAGGCTTTCTGCATTATAGTTTGTGTCGTTGCAAAAAGAACCAGGCGATAGTCATTTACA[A>G]GCTTCTCTAAGCACTGAGAACATTTCCTCAGAGTAGACTCCTGTAAGTTCACACTTTCTC-3'
Protein context (NP_005422.1, residues 173-193): LRKCSQCLEK[Leu183Pro]VNDYRLVLFA

ClinVar aggregate classification (germline): Uncertain significance (1 of 4 stars; one submission).

Conditions:
Hereditary cancer-predisposing syndrome. Also called: Hereditary Cancer Syndrome; Hereditary neoplastic syndrome; Neoplastic Syndromes, Hereditary; Tumor predisposition. Identifiers: Orphanet 140162, MedGen C0027672, MeSH D009386, MONDO:0015356.

Allele frequency attached by ClinVar (database versions not stated): gnomAD exomes below 0.00001.
gnomAD v4.1: 2 of 1,614,222 alleles (0.00012%); highest among the groups gnomAD compares: East Asian, 0.0022%; no homozygotes.

Submission:

Ambry Genetics
Classification: Uncertain significance for Hereditary cancer-predisposing syndrome. Last evaluated: 2025-08-12. Review status: criteria provided, single submitter. Criteria: Ambry Variant Classification Scheme 2023. Collection method: clinical testing. Allele origin: germline.
Comment: The p.L183P variant (also known as c.548T>C), located in coding exon 3 of the XRCC2 gene, results from a T to C substitution at nucleotide position 548. The leucine at codon 183 is replaced by proline, an amino acid with similar properties. This amino acid position is conserved. In addition, this alteration is predicted to be deleterious by in silico analysis. Since supporting evidence is limited at this time, the clinical significance of this alteration remains unclear.